The following is an entry in ClinVar:

ClinVar aggregate classification (germline): Likely pathogenic (1 of 4 stars; one submission).

Conditions:
Intellectual developmental disorder with gastrointestinal difficulties and high pain threshold (JDVS). Also called: JANSEN-DE VRIES SYNDROME. Identifiers: Orphanet 653767, MedGen C4479517, MONDO:0044318, OMIM 617450.

Submission:

3billion
Classification: Likely pathogenic for Intellectual developmental disorder with gastrointestinal difficulties and high pain threshold. Last evaluated: 2025-12-26. Review status: criteria provided, single submitter. Criteria: ACMG Guidelines, 2015. Collection method: clinical testing. Allele origin: germline. Affected: yes.
Comment: The variant is not observed in the gnomAD v4.1.0 dataset. Predicted Consequence/Location: Frameshift: predicted to result in a loss or disruption of normal protein function through protein truncation and a dominant negative effect has been reported near truncated region. Therefore, this variant is classified as Likely pathogenic according to the recommendation of ACMG/AMP guideline.

NM_003620.4(PPM1D):c.1248_1249del (p.Pro417fs)

Gene: PPM1D (protein phosphatase, Mg2+/Mn2+ dependent 1D; plus strand). Cytogenetic location: 17q23.2.
Variant type: Microsatellite.
Coding change: c.1248_1249del on transcript NM_003620.4 (MANE Select); coding-DNA positions 1248 to 1249, 2 bases deleted (AC; older notation c.1248_1249delAC).
Protein change: p.Pro417fs; shifts the reading frame from proline 417.
Molecular consequence: frameshift variant.
Genome position (GRCh38, 1-based): chr17:60,656,829-60,656,830, AC deleted; deleting any 2 consecutive bases within chr17:60,656,827-60,656,830 gives the same sequence; the c. name uses the placement nearest the transcript's 3' end. VCF-style (leftmost placement, unchanged base first): chr17-60656826-TAC-T. GRCh37 (hg19) VCF-style: chr17-58734187-TAC-T.
Other names: short protein forms P417fs.
Identifiers: ClinVar variation 4854002 (VCV004854002.1).